The following is an entry in ClinVar:

NM_000465.4(BARD1):c.1674A>C (p.Ser558=)

Gene: BARD1 (BRCA1 associated RING domain 1; minus strand). Cytogenetic location: 2q35.
Variant type: single nucleotide variant.
Coding change: c.1674A>C on transcript NM_000465.4 (MANE Select); coding-DNA position 1674, A replaced by C.
Protein change: p.Ser558=; no amino-acid change (serine 558 retained).
Molecular consequence: synonymous variant. On other transcripts: non-coding transcript variant (3), intron variant (1).
Genome position (GRCh38, 1-based): chr2:214,752,450, T>G on the plus strand (A>C on the coding strand, the complement: BARD1 is on the minus strand). VCF-style: chr2-214752450-T-G. GRCh37 (hg19) VCF-style: chr2-215617174-T-G.
Other names: c.1617A>C, p.Ser539= (NM_001282543.2); c.321A>C, p.Ser107= (NM_001282545.2); c.264A>C, p.Ser88= (NM_001282548.2); c.365-21942A>C (NM_001282549.2).
Identifiers: ClinVar variation 3378739 (VCV003378739.1).

ClinVar aggregate classification (germline): Benign (1 of 4 stars; one submission).

Conditions:
Familial cancer of breast. Also called: hereditary breast carcinoma; Hereditary breast cancer; BREAST CANCER, FAMILIAL. Identifiers: Orphanet 227535, MedGen C0346153, MONDO:0016419, OMIM 114480. Disease mechanism: loss of function.

Submission:

Myriad Genetics, Inc.
Classification: Benign for Familial cancer of breast. Last evaluated: 2024-07-26. Review status: criteria provided, single submitter. Criteria: Myriad Autosomal Dominant, Autosomal Recessive and X-Linked Classification Criteria (2023). Collection method: clinical testing. Allele origin: unknown.
Comment: This variant is considered benign. This variant is a silent/synonymous amino acid change and it is not expected to impact splicing.